The following is an entry in ClinVar:

NM_133372.3(FNIP1):c.337C>G (p.Gln113Glu)

Gene: FNIP1 (folliculin interacting protein 1; minus strand). Cytogenetic location: 5q31.1.
Variant type: single nucleotide variant.
Coding change: c.337C>G on transcript NM_133372.3 (MANE Select); coding-DNA position 337, C replaced by G.
Protein change: p.Gln113Glu; replaces glutamine 113 with glutamic acid.
Molecular consequence: missense variant. On other transcripts: intron variant (1).
Genome position (GRCh38, 1-based): chr5:131,730,921, G>C on the plus strand (C>G on the coding strand, the complement: FNIP1 is on the minus strand). VCF-style: chr5-131730921-G-C. GRCh37 (hg19) VCF-style: chr5-131066614-G-C.
Other names: c.337C>G, p.Gln113Glu (NM_001008738.3, NM_001346113.2); c.220-11504C>G (NM_001346114.2); short protein forms Q113E.
Identifiers: ClinVar variation 3096131 (VCV003096131.2), dbSNP rs1770062930, ClinGen allele CA360840873.

ClinVar aggregate classification (germline): Uncertain significance. Review status: criteria provided, multiple submitters, no conflicts (2 of 4 stars). 2 submissions from 2 submitters: Uncertain significance (2). Last evaluated 2024-02-22.

Conditions:
Inborn genetic diseases. Identifiers: MedGen C0950123, MeSH D030342.

Allele frequency attached by ClinVar (database versions not stated): TOPMed below 0.00001.
gnomAD v4.1: 17 of 1,604,360 alleles (0.0011%); highest among the groups gnomAD compares: Non-Finnish European, 0.0014%; no homozygotes.

Submissions (2):

Labcorp Genetics (formerly Invitae), Labcorp
Classification: Uncertain significance. Last evaluated: 2024-02-22. Review status: criteria provided, single submitter. Criteria: Invitae Variant Classification Sherloc (09022015). Collection method: clinical testing. Allele origin: germline.
Comment: This sequence change replaces glutamine, which is neutral and polar, with glutamic acid, which is acidic and polar, at codon 113 of the FNIP1 protein (p.Gln113Glu). This variant is not present in population databases (gnomAD no frequency). This variant has not been reported in the literature in individuals affected with FNIP1-related conditions. An algorithm developed to predict the effect of missense changes on protein structure and function (PolyPhen-2) suggests that this variant is likely to be disruptive. In summary, the available evidence is currently insufficient to determine the role of this variant in disease. Therefore, it has been classified as a Variant of Uncertain Significance.

Ambry Genetics
Classification: Uncertain significance for Inborn genetic diseases. Last evaluated: 2023-12-30. Review status: criteria provided, single submitter. Criteria: Ambry Variant Classification Scheme 2023. Collection method: clinical testing. Allele origin: germline.